The following is an entry in ClinVar:

ClinVar aggregate classification (germline): Uncertain significance (1 of 4 stars; one submission).

Conditions:
Hereditary cancer-predisposing syndrome. Also called: Neoplastic Syndromes, Hereditary; Tumor predisposition; Hereditary Cancer Syndrome; Hereditary neoplastic syndrome. Identifiers: Orphanet 140162, MedGen C0027672, MeSH D009386, MONDO:0015356.

Submission:

Ambry Genetics
Classification: Uncertain significance for Hereditary cancer-predisposing syndrome. Last evaluated: 2023-07-03. Review status: criteria provided, single submitter. Criteria: Ambry Variant Classification Scheme 2023. Collection method: clinical testing. Allele origin: germline.
Comment: The p.P299Q variant (also known as c.896C>A), located in coding exon 8 of the PMS2 gene, results from a C to A substitution at nucleotide position 896. The proline at codon 299 is replaced by glutamine, an amino acid with similar properties. This amino acid position is highly conserved in available vertebrate species. In addition, this alteration is predicted to be deleterious by in silico analysis. Since supporting evidence is limited at this time, the clinical significance of this alteration remains unclear.

NM_000535.7(PMS2):c.896C>A (p.Pro299Gln)

Gene: PMS2 (PMS1 homolog 2, mismatch repair system component; minus strand). Cytogenetic location: 7p22.1.
Variant type: single nucleotide variant.
Coding change: c.896C>A on transcript NM_000535.7 (MANE Select); coding-DNA position 896, C replaced by A.
Protein change: p.Pro299Gln; replaces proline 299 with glutamine.
Molecular consequence: missense variant. On other transcripts: 5 prime UTR variant (2), non-coding transcript variant (1).
Genome position (GRCh38, 1-based): chr7:5,995,541, G>T on the plus strand (C>A on the coding strand, the complement: PMS2 is on the minus strand). VCF-style: chr7-5995541-G-T. GRCh37 (hg19) VCF-style: chr7-6035172-G-T.
Other names: c.491C>A, p.Pro164Gln (NM_001018040.1, NM_001322003.2, NM_001322004.2 and 20 more transcripts); c.896C>A, p.Pro299Gln (NM_001322006.2, NM_001322014.2, NM_001406870.1 and 2 more transcripts); c.578C>A, p.Pro193Gln (NM_001322007.2, NM_001322008.2, NM_001406876.1 and 4 more transcripts); c.-38C>A (NM_001322011.2, NM_001322012.2); c.323C>A, p.Pro108Gln (NM_001322013.2, NM_001406909.1); c.587C>A, p.Pro196Gln (NM_001322015.2, NM_001406875.1, NM_001406877.1 and 6 more transcripts); c.1082C>A, p.Pro361Gln (NM_001406866.1); c.920C>A, p.Pro307Gln (NM_001406868.1); and 4 more; short protein forms P299Q, P108Q, P128Q, P193Q, P243Q, P164Q, P196Q, P307Q.
Identifiers: ClinVar variation 1765274 (VCV001765274.3), dbSNP rs1402108044, ClinGen allele CA366743409.